The following is an entry in ClinVar:

NM_018089.3(ANKZF1):c.1838G>A (p.Arg613Gln)

Gene: ANKZF1 (ankyrin repeat and zinc finger peptidyl tRNA hydrolase 1; plus strand). Cytogenetic location: 2q35.
Variant type: single nucleotide variant.
Coding change: c.1838G>A on transcript NM_018089.3 (MANE Select); coding-DNA position 1838, G replaced by A.
Protein change: p.Arg613Gln; replaces arginine 613 with glutamine.
Molecular consequence: missense variant.
Genome position (GRCh38, 1-based): chr2:219,235,742, G>A. VCF-style: chr2-219235742-G-A. GRCh37 (hg19) VCF-style: chr2-220100464-G-A.
Other names: c.1838G>A, p.Arg613Gln (NM_001042410.2); c.1208G>A, p.Arg403Gln (NM_001282792.2); c.1838G>A (NM_018089.2); short protein forms R403Q, R613Q.
Identifiers: ClinVar variation 1922202 (VCV001922202.6), dbSNP rs752760334, ClinGen allele CA2121206.

ClinVar aggregate classification (germline): Uncertain significance. Review status: criteria provided, multiple submitters, no conflicts (2 of 4 stars). 2 submissions from 2 submitters: Uncertain significance (2). Last evaluated 2025-11-25.

Allele frequency attached by ClinVar (database versions not stated): ExAC 0.00001; gnomAD exomes 0.00001; gnomAD 0.00002; TOPMed 0.00002.
gnomAD v4.1: 26 of 1,614,020 alleles (0.0016%); highest among the groups gnomAD compares: East Asian, 0.0045%; no homozygotes.

Submissions (2):

Labcorp Genetics (formerly Invitae), Labcorp
Classification: Uncertain significance. Last evaluated: 2025-11-25. Review status: criteria provided, single submitter. Criteria: Invitae Variant Classification Sherloc (09022015). Collection method: clinical testing. Allele origin: germline.
Comment: This sequence change replaces arginine, which is basic and polar, with glutamine, which is neutral and polar, at codon 613 of the ANKZF1 protein (p.Arg613Gln). This variant is present in population databases (rs752760334, gnomAD 0.004%). This variant has not been reported in the literature in individuals affected with ANKZF1-related conditions. ClinVar contains an entry for this variant (Variation ID: 1922202). An algorithm developed to predict the effect of missense changes on protein structure and function outputs the following: PolyPhen-2: "Benign". The glutamine amino acid residue is found in multiple mammalian species, which suggests that this missense change does not adversely affect protein function. In summary, the available evidence is currently insufficient to determine the role of this variant in disease. Therefore, it has been classified as a Variant of Uncertain Significance.

Ambry Genetics
Classification: Uncertain significance. Last evaluated: 2024-07-31. Review status: criteria provided, single submitter. Criteria: Ambry Variant Classification Scheme 2023. Collection method: clinical testing. Allele origin: germline.